The following is an entry in ClinVar:

ClinVar aggregate classification (germline): Pathogenic/Likely pathogenic. Review status: criteria provided, multiple submitters, no conflicts (2 of 4 stars). 3 submissions from 3 submitters: Pathogenic (1); Likely pathogenic (2). Last evaluated 2025-07-09.

Conditions:
Bardet-Biedl syndrome (BBS). Identifiers: Orphanet 110, MedGen C0752166, MONDO:0015229.
Bardet-Biedl syndrome 4 (BBS4). Identifiers: Orphanet 110, MedGen C2936864, MONDO:0014433, OMIM 615982.

Submissions (3):

Variantyx, Inc.
Classification: Likely pathogenic for Bardet-Biedl syndrome 4. Last evaluated: 2025-07-09. Review status: criteria provided, single submitter. Criteria: Variantyx Assertion Criteria 2022. Collection method: clinical testing. Allele origin: germline. Inheritance: Autosomal recessive inheritance. Affected: yes.
Comment: This is a nonsense variant in the BBS4 gene (OMIM: 600374). Pathogenic variants in this gene have been associated with autosomal recessive Bardet-Biedl syndrome 4. This variant introduces a premature termination codon in exon 9 out of 16 and is expected to result in loss of function, which is a known disease mechanism for BBS4 in this disorder (PMID: 11381270, 12016587, 20177705, 27894351) (PVS1). This variant is absent from control populations (PM2). Based on the current evidence, this variant is classified as likely pathogenic for autosomal recessive Bardet-Biedl syndrome 4.

Baylor Genetics
Classification: Likely pathogenic for Bardet-Biedl syndrome 4. Last evaluated: 2023-01-19. Review status: criteria provided, single submitter. Criteria: ACMG Guidelines, 2015. Collection method: clinical testing. Allele origin: unknown.

Labcorp Genetics (formerly Invitae), Labcorp
Classification: Pathogenic for Bardet-Biedl syndrome. Last evaluated: 2022-08-09. Review status: criteria provided, single submitter. Criteria: Invitae Variant Classification Sherloc (09022015). Collection method: clinical testing. Allele origin: germline.
Comment: For these reasons, this variant has been classified as Pathogenic. This sequence change creates a premature translational stop signal (p.Leu213*) in the BBS4 gene. It is expected to result in an absent or disrupted protein product. Loss-of-function variants in BBS4 are known to be pathogenic (PMID: 11381270, 12016587, 20177705, 27894351). This variant is not present in population databases (gnomAD no frequency). This variant has not been reported in the literature in individuals affected with BBS4-related conditions. ClinVar contains an entry for this variant (Variation ID: 412298).

Literature cited by the submitters: PubMed 11381270 (cited by Variantyx, Inc. and Labcorp Genetics (formerly Invitae), Labcorp); PubMed 12016587 (cited by Variantyx, Inc. and Labcorp Genetics (formerly Invitae), Labcorp); PubMed 20177705 (cited by Variantyx, Inc. and Labcorp Genetics (formerly Invitae), Labcorp); PubMed 27894351 (cited by Variantyx, Inc. and Labcorp Genetics (formerly Invitae), Labcorp).

NM_033028.5(BBS4):c.638T>A (p.Leu213Ter)

Gene: BBS4 (Bardet-Biedl syndrome 4; plus strand). Cytogenetic location: 15q24.1.
Variant type: single nucleotide variant.
Coding change: c.638T>A on transcript NM_033028.5 (MANE Select); coding-DNA position 638, T replaced by A.
Protein change: p.Leu213Ter; replaces leucine 213 with a stop codon.
Molecular consequence: nonsense. On other transcripts: non-coding transcript variant (2).
Genome position (GRCh38, 1-based): chr15:72,727,990, T>A. VCF-style: chr15-72727990-T-A. GRCh37 (hg19) VCF-style: chr15-73020331-T-A.
Other names: c.122T>A, p.Leu41Ter (NM_001252678.2); c.638T>A, p.Leu213Ter (NM_001320665.2); short protein forms L213*, L41*.
Identifiers: ClinVar variation 412298 (VCV000412298.8), dbSNP rs1060503692, ClinGen allele CA16614491.
Genomic context (GRCh38, chr15:72,727,990, plus strand): 5'-TATGTTGCAGGTTCTCACCAGAAAATACAGAGCTTCTTACAACTTTAGGATTACTCTACT[T>A]ACAGGTAATGAAAACTCTGTACTCATTCATGCACTGATGTTAGAAATGGTTTTGGGTTTG-3'